The following is an entry in ClinVar:

NM_001323289.2(CDKL5):c.2256_2263del (p.Arg752fs)

Gene: CDKL5 (cyclin dependent kinase like 5; plus strand). Cytogenetic location: Xp22.13.
Variant type: Deletion.
Coding change: c.2256_2263del on transcript NM_001323289.2 (MANE Select); coding-DNA positions 2256 to 2263, 8 bases deleted (ACAACCAG; older notation c.2256_2263delACAACCAG).
Protein change: p.Arg752fs; shifts the reading frame from arginine 752.
Molecular consequence: frameshift variant.
Genome position (GRCh38, 1-based): chrX:18,613,255-18,613,262, ACAACCAG deleted; deleting any 8 consecutive bases within chrX:18,613,253-18,613,262 gives the same sequence; the c. name uses the placement nearest the transcript's 3' end. VCF-style (leftmost placement, unchanged base first): chrX-18613252-AAGACAACC-A. GRCh37 (hg19) VCF-style: chrX-18631372-AAGACAACC-A.
Other names: c.2256_2263del, p.Arg752fs (NM_001037343.2, NM_003159.3); short protein forms R752fs.
Identifiers: ClinVar variation 969040 (VCV000969040.10), dbSNP rs1926620965, ClinGen allele CA1139667251.
Genomic context (GRCh38, chrX:18,613,252, plus strand): 5'-TGTGTCAACTAGAGTTTCTTCTCTACCATCAGAGAGCAGTTCTGGAACCAACCACTCAAA[AAGACAACC>A]AGCATTCGATCCATGGTGAGCATTTTGGTTTGTTTTTACTCTTCCTTTTTTTAATTGTAG-3'

ClinVar aggregate classification (germline): Pathogenic (1 of 4 stars; one submission).

Conditions:
Developmental and epileptic encephalopathy, 2 (DEE2). Also called: CDKL5 deficiency disorder; INFANTILE SPASM SYNDROME, X-LINKED 2. Identifiers: Orphanet 1934, Orphanet 3451, Orphanet 505652, MedGen C4750718, MONDO:0010396, OMIM 300672.
Angelman syndrome-like. Identifiers: MedGen CN128785.

Submission:

Labcorp Genetics (formerly Invitae), Labcorp
Classification: Pathogenic for Developmental and epileptic encephalopathy, 2; Angelman syndrome-like. Last evaluated: 2022-10-13. Review status: criteria provided, single submitter. Criteria: Invitae Variant Classification Sherloc (09022015). Collection method: clinical testing. Allele origin: germline.
Comment: For these reasons, this variant has been classified as Pathogenic. ClinVar contains an entry for this variant (Variation ID: 969040). This variant has not been reported in the literature in individuals affected with CDKL5-related conditions. This variant is not present in population databases (gnomAD no frequency). This sequence change creates a premature translational stop signal (p.Arg752Serfs*9) in the CDKL5 gene. It is expected to result in an absent or disrupted protein product. Loss-of-function variants in CDKL5 are known to be pathogenic (PMID: 22872100).

Literature cited by the submitters: PubMed 22872100.